The following is an entry in ClinVar:

NM_001852.4(COL9A2):c.1731C>G (p.Gly577=)

Gene: COL9A2 (collagen type IX alpha 2 chain; minus strand). Cytogenetic location: 1p34.2.
Variant type: single nucleotide variant.
Coding change: c.1731C>G on transcript NM_001852.4 (MANE Select); coding-DNA position 1731, C replaced by G.
Protein change: p.Gly577=; no amino-acid change (glycine 577 retained).
Molecular consequence: synonymous variant.
Genome position (GRCh38, 1-based): chr1:40,302,682, G>C on the plus strand (C>G on the coding strand, the complement: COL9A2 is on the minus strand). VCF-style: chr1-40302682-G-C. GRCh37 (hg19) VCF-style: chr1-40768354-G-C.
Identifiers: ClinVar variation 3390273 (VCV003390273.14).

ClinVar aggregate classification (germline): Likely benign (1 of 4 stars; one submission).

Submission:

CeGaT Center for Human Genetics Tuebingen
Classification: Likely benign. Last evaluated: 2024-11-01. Review status: criteria provided, single submitter. Criteria: CeGaT Center For Human Genetics Tuebingen Variant Classification Criteria Version 2. Collection method: clinical testing. Allele origin: germline. Affected: yes. Observed: 1 variant allele.
Comment: COL9A2: PM2:Supporting, BP4, BP7